The following is an entry in ClinVar:

NM_014425.5(INVS):c.817C>T (p.Leu273Phe)

Gene: INVS (inversin; plus strand). Cytogenetic location: 9q31.1.
Variant type: single nucleotide variant.
Coding change: c.817C>T on transcript NM_014425.5 (MANE Select); coding-DNA position 817, C replaced by T.
Protein change: p.Leu273Phe; replaces leucine 273 with phenylalanine.
Molecular consequence: missense variant. On other transcripts: 5 prime UTR variant (1), non-coding transcript variant (1).
Genome position (GRCh38, 1-based): chr9:100,242,590, C>T. VCF-style: chr9-100242590-C-T. GRCh37 (hg19) VCF-style: chr9-103004872-C-T.
Other names: c.529C>T, p.Leu177Phe (NM_001318381.2); c.-173C>T (NM_001318382.2); c.817C>T (NM_014425.2); short protein forms L177F, L273F.
Identifiers: ClinVar variation 1011857 (VCV001011857.7), dbSNP rs776929488, ClinGen allele CA5158256.

ClinVar aggregate classification (germline): Uncertain significance. Review status: criteria provided, multiple submitters, no conflicts (2 of 4 stars). 2 submissions from 2 submitters: Uncertain significance (2). Last evaluated 2025-01-31.

Conditions:
Nephronophthisis. Also called: Juvenile Nephronophthisis. Identifiers: Orphanet 655, MedGen C0687120, MONDO:0019005, HP:0000090.
Inborn genetic diseases. Identifiers: MedGen C0950123, MeSH D030342.

Allele frequency attached by ClinVar (database versions not stated): ExAC 0.00002; gnomAD 0.00003; TOPMed 0.00001.
gnomAD v4.1: 54 of 1,604,534 alleles (0.0034%); highest among the groups gnomAD compares: Non-Finnish European, 0.0043%; no homozygotes.

Submissions (2):

Ambry Genetics
Classification: Uncertain significance for Inborn genetic diseases. Last evaluated: 2025-01-31. Review status: criteria provided, single submitter. Criteria: Ambry Variant Classification Scheme 2023. Collection method: clinical testing. Allele origin: germline.

Labcorp Genetics (formerly Invitae), Labcorp
Classification: Uncertain significance for Nephronophthisis. Last evaluated: 2021-09-02. Review status: criteria provided, single submitter. Criteria: Invitae Variant Classification Sherloc (09022015). Collection method: clinical testing. Allele origin: germline.
Comment: This sequence change replaces leucine with phenylalanine at codon 273 of the INVS protein (p.Leu273Phe). The leucine residue is highly conserved and there is a small physicochemical difference between leucine and phenylalanine. This variant is present in population databases (rs776929488, ExAC 0.003%). This variant has not been reported in the literature in individuals affected with INVS-related conditions. Algorithms developed to predict the effect of missense changes on protein structure and function are either unavailable or do not agree on the potential impact of this missense change (SIFT: "Deleterious"; PolyPhen-2: "Possibly Damaging"; Align-GVGD: "Class C15"). In summary, the available evidence is currently insufficient to determine the role of this variant in disease. Therefore, it has been classified as a Variant of Uncertain Significance.